The following is an entry in ClinVar:

ClinVar aggregate classification (germline): Uncertain significance (1 of 4 stars; one submission).

Conditions:
Cenani-Lenz syndactyly syndrome. Also called: SYNDACTYLY, TYPE VII; CENANI SYNDACTYLISM. Identifiers: Orphanet 3258, MedGen C1859309, MONDO:0008931, OMIM 212780.
Congenital myasthenic syndrome 17. Identifiers: Orphanet 590, MedGen C4225377, MONDO:0014578, OMIM 616304.
Sclerosteosis 2 (SOST2). Identifiers: Orphanet 3152, MedGen C3280402, MONDO:0013679, OMIM 614305.

Submission:

Labcorp Genetics (formerly Invitae), Labcorp
Classification: Uncertain significance for Cenani-Lenz syndactyly syndrome; Sclerosteosis 2; Congenital myasthenic syndrome 17. Last evaluated: 2024-10-18. Review status: criteria provided, single submitter. Criteria: Invitae Variant Classification Sherloc (09022015). Collection method: clinical testing. Allele origin: germline.
Comment: This sequence change replaces asparagine, which is neutral and polar, with serine, which is neutral and polar, at codon 496 of the LRP4 protein (p.Asn496Ser). This variant is present in population databases (rs746759136, gnomAD 0.01%). This variant has not been reported in the literature in individuals affected with LRP4-related conditions. ClinVar contains an entry for this variant (Variation ID: 1050865). Invitae Evidence Modeling of protein sequence and biophysical properties (such as structural, functional, and spatial information, amino acid conservation, physicochemical variation, residue mobility, and thermodynamic stability) indicates that this missense variant is not expected to disrupt LRP4 protein function with a negative predictive value of 80%. In summary, the available evidence is currently insufficient to determine the role of this variant in disease. Therefore, it has been classified as a Variant of Uncertain Significance.

NM_002334.4(LRP4):c.1487A>G (p.Asn496Ser)

Gene: LRP4 (LDL receptor related protein 4; minus strand). Cytogenetic location: 11p11.2.
Variant type: single nucleotide variant.
Coding change: c.1487A>G on transcript NM_002334.4 (MANE Select); coding-DNA position 1487, A replaced by G.
Protein change: p.Asn496Ser; replaces asparagine 496 with serine.
Molecular consequence: missense variant.
Genome position (GRCh38, 1-based): chr11:46,894,642, T>C on the plus strand (A>G on the coding strand, the complement: LRP4 is on the minus strand). VCF-style: chr11-46894642-T-C. GRCh37 (hg19) VCF-style: chr11-46916193-T-C.
Other names: short protein forms N496S.
Identifiers: ClinVar variation 1050865 (VCV001050865.9), dbSNP rs746759136, ClinGen allele CA5970142.